The following is an entry in ClinVar:

NM_004304.5(ALK):c.3633C>A (p.Thr1211=)

Gene: ALK (ALK receptor tyrosine kinase; minus strand). Cytogenetic location: 2p23.2.
Variant type: single nucleotide variant.
Coding change: c.3633C>A on transcript NM_004304.5 (MANE Select); coding-DNA position 3633, C replaced by A.
Protein change: p.Thr1211=; no amino-acid change (threonine 1211 retained).
Molecular consequence: synonymous variant.
Genome position (GRCh38, 1-based): chr2:29,220,718, G>T on the plus strand (C>A on the coding strand, the complement: ALK is on the minus strand). VCF-style: chr2-29220718-G-T. GRCh37 (hg19) VCF-style: chr2-29443584-G-T.
Other names: c.429C>A, p.Thr143= (NM_001353765.2).
Identifiers: ClinVar variation 335692 (VCV000335692.47), dbSNP rs144437923, ClinGen allele CA1593841.

ClinVar aggregate classification (germline): Likely benign. Review status: criteria provided, multiple submitters, no conflicts (2 of 4 stars). 8 submissions from 8 submitters: Likely benign (6). 2 of the submissions do not count toward it. Last evaluated 2026-09-01.

Conditions:
Neuroblastoma, susceptibility to, 3. Also called: ALK-Related Neuroblastic Tumor Susceptibility. Identifiers: Orphanet 635, MedGen C2751681, MONDO:0013083, OMIM 613014.
ALK-related disorder. Also called: ALK-related condition.
Hereditary cancer-predisposing syndrome. Also called: Tumor predisposition; Neoplastic Syndromes, Hereditary; Hereditary neoplastic syndrome; Hereditary Cancer Syndrome. Identifiers: Orphanet 140162, MedGen C0027672, MeSH D009386, MONDO:0015356.

Allele frequency attached by ClinVar (database versions not stated): gnomAD 0.00020 and 0.00021; TOPMed 0.00021; ESP Exome Variant Server 0.00046.
gnomAD v4.1: 455 of 1,613,634 alleles (0.028%); highest among the groups gnomAD compares: Non-Finnish European, 0.034%; 1 homozygote.

Submissions (8):

CeGaT Center for Human Genetics Tuebingen
Classification: Likely benign. Last evaluated: 2026-09-01. Review status: criteria provided, single submitter. Criteria: CeGaT Center For Human Genetics Tuebingen Variant Classification Criteria Version 2. Collection method: clinical testing. Allele origin: germline. Affected: yes. Observed: 10 variant alleles.
Comment: ALK: BP4, BP7

Labcorp Genetics (formerly Invitae), Labcorp
Classification: Likely benign for Neuroblastoma, susceptibility to, 3. Last evaluated: 2026-02-03. Review status: criteria provided, single submitter. Criteria: Invitae Variant Classification Sherloc (09022015). Collection method: clinical testing. Allele origin: germline.

Blueprint Genetics
Classification: Likely benign. Last evaluated: 2024-09-24. Review status: criteria provided, single submitter. Criteria: ACMG Guidelines, 2015. Collection method: clinical testing. Allele origin: germline.

Illumina Laboratory Services, Illumina
Classification: Likely benign for Neuroblastoma, susceptibility to, 3. Last evaluated: 2018-01-12. Review status: criteria provided, single submitter. Criteria: ICSL Variant Classification Criteria 13 December 2019. Collection method: clinical testing. Allele origin: germline.
Comment: This variant was observed in the ICSL laboratory as part of a predisposition screen in an ostensibly healthy population. It had not been previously curated by ICSL or reported in the Human Gene Mutation Database (HGMD: prior to June 1st, 2018), and was therefore a candidate for classification through an automated scoring system. Utilizing variant allele frequency, disease prevalence and penetrance estimates, and inheritance mode, an automated score was calculated to assess if this variant is too frequent to cause the disease. Based on the score and internal cut-off values, a variant classified as likely benign is not then subjected to further curation. The score for this variant resulted in a classification of likely benign for this disease.

Clinical Genetics DNA and cytogenetics Diagnostics Lab, Erasmus MC, Erasmus Medical Center
Classification: Likely benign for Neuroblastoma, susceptibility to, 3. Last evaluated: 2017-06-28. Review status: criteria provided, single submitter. Criteria: ACGS Guidelines, 2013. Collection method: clinical testing. Allele origin: germline. Affected: yes. Study: VKGL Data-share Consensus.

Ambry Genetics
Classification: Likely benign for Hereditary cancer-predisposing syndrome. Last evaluated: 2017-03-23. Review status: criteria provided, single submitter. Criteria: Ambry Variant Classification Scheme 2023. Collection method: clinical testing. Allele origin: germline.

PreventionGenetics, part of Exact Sciences
Classification: Likely benign for ALK-related condition. Last evaluated: 2020-02-14. Review status: no assertion criteria provided. Collection method: clinical testing. Allele origin: germline. Not counted in ClinVar's aggregate classification.
Comment: This variant is classified as likely benign based on ACMG/AMP sequence variant interpretation guidelines (Richards et al. 2015 PMID: 25741868, with internal and published modifications).

Genome Diagnostics Laboratory, Amsterdam University Medical Center
Classification: Likely benign for Neuroblastoma, susceptibility to, 3. Last evaluated: 2016-01-15. Review status: no assertion criteria provided. Criteria: ACGS Guidelines, 2013. Collection method: clinical testing. Allele origin: germline. Affected: yes. Study: VKGL Data-share Consensus. Not counted in ClinVar's aggregate classification.